The following is an entry in ClinVar:

ClinVar aggregate classification (germline): Uncertain significance (1 of 4 stars; one submission).

Submission:

Labcorp Genetics (formerly Invitae), Labcorp
Classification: Uncertain significance. Last evaluated: 2025-02-24. Review status: criteria provided, single submitter. Criteria: Invitae Variant Classification Sherloc (09022015). Collection method: clinical testing. Allele origin: germline.
Comment: This sequence change replaces alanine, which is neutral and non-polar, with glycine, which is neutral and non-polar, at codon 1034 of the BRD4 protein (p.Ala1034Gly). This variant is not present in population databases (gnomAD no frequency). This variant has not been reported in the literature in individuals affected with BRD4-related conditions. An algorithm developed to predict the effect of missense changes on protein structure and function (PolyPhen-2) suggests that this variant is likely to be tolerated. In summary, the available evidence is currently insufficient to determine the role of this variant in disease. Therefore, it has been classified as a Variant of Uncertain Significance.

NM_001379291.1(BRD4):c.3101C>G (p.Ala1034Gly)

Gene: BRD4 (bromodomain containing 4; minus strand). Cytogenetic location: 19p13.12.
Variant type: single nucleotide variant.
Coding change: c.3101C>G on transcript NM_001379291.1 (MANE Select); coding-DNA position 3101, C replaced by G.
Protein change: p.Ala1034Gly; replaces alanine 1034 with glycine.
Molecular consequence: missense variant.
Genome position (GRCh38, 1-based): chr19:15,242,968, G>C on the plus strand (C>G on the coding strand, the complement: BRD4 is on the minus strand). VCF-style: chr19-15242968-G-C. GRCh37 (hg19) VCF-style: chr19-15353779-G-C.
Other names: c.3101C>G, p.Ala1034Gly (NM_058243.3); short protein forms A1034G.
Identifiers: ClinVar variation 4713750 (VCV004713750.1).